The following is an entry in ClinVar:

NM_002242.4(KCNJ13):c.622C>G (p.Leu208Val)

Genes: GIGYF2 (GRB10 interacting GYF protein 2; plus strand), KCNJ13 (potassium inwardly rectifying channel subfamily J member 13; minus strand). Cytogenetic location: 2q37.1.
Variant type: single nucleotide variant.
Coding change: c.622C>G on transcript NM_002242.4 (MANE Select); coding-DNA position 622, C replaced by G.
Protein change: p.Leu208Val; replaces leucine 208 with valine.
Molecular consequence: missense variant. On other transcripts: 3 prime UTR variant (1), intron variant (4).
Genome position (GRCh38, 1-based): chr2:232,768,652, G>C on the plus strand (C>G on the coding strand, the complement: KCNJ13 is on the minus strand). VCF-style: chr2-232768652-G-C. GRCh37 (hg19) VCF-style: chr2-233633362-G-C.
Other names: c.*101C>G (NM_001172416.1); c.382C>G, p.Leu128Val (NM_001172417.1); c.532+7216G>C (NM_001103146.3, NM_015575.4, NM_001103147.2 and 1 more transcripts); short protein forms L208V, L128V.
Identifiers: ClinVar variation 1046410 (VCV001046410.8), dbSNP rs770984701, ClinGen allele CA351010008.

ClinVar aggregate classification (germline): Uncertain significance (1 of 4 stars; one submission).

Submission:

Labcorp Genetics (formerly Invitae), Labcorp
Classification: Uncertain significance. Last evaluated: 2025-04-28. Review status: criteria provided, single submitter. Criteria: Invitae Variant Classification Sherloc (09022015). Collection method: clinical testing. Allele origin: germline.
Comment: This sequence change replaces leucine, which is neutral and non-polar, with valine, which is neutral and non-polar, at codon 208 of the KCNJ13 protein (p.Leu208Val). This variant is not present in population databases (gnomAD no frequency). This variant has not been reported in the literature in individuals affected with KCNJ13-related conditions. ClinVar contains an entry for this variant (Variation ID: 1046410). Invitae Evidence Modeling of protein sequence and biophysical properties (such as structural, functional, and spatial information, amino acid conservation, physicochemical variation, residue mobility, and thermodynamic stability) indicates that this missense variant is not expected to disrupt KCNJ13 protein function with a negative predictive value of 80%. In summary, the available evidence is currently insufficient to determine the role of this variant in disease. Therefore, it has been classified as a Variant of Uncertain Significance.